The following is an entry in ClinVar:

ClinVar aggregate classification (germline): Likely pathogenic (1 of 4 stars; one submission).

Submission:

Labcorp Genetics (formerly Invitae), Labcorp
Classification: Likely pathogenic. Last evaluated: 2022-01-03. Review status: criteria provided, single submitter. Criteria: Invitae Variant Classification Sherloc (09022015). Collection method: clinical testing. Allele origin: germline.
Comment: Algorithms developed to predict the effect of sequence changes on RNA splicing suggest that this variant may disrupt the consensus splice site. This variant has not been reported in the literature in individuals affected with TYMP-related conditions. This variant is not present in population databases (gnomAD no frequency). This sequence change affects an acceptor splice site in intron 6 of the TYMP gene. It is expected to disrupt RNA splicing. Variants that disrupt the donor or acceptor splice site typically lead to a loss of protein function (PMID: 16199547), and loss-of-function variants in TYMP are known to be pathogenic (PMID: 9924029, 15781193). In summary, the currently available evidence indicates that the variant is pathogenic, but additional data are needed to prove that conclusively. Therefore, this variant has been classified as Likely Pathogenic.

Literature cited by the submitters: PubMed 16199547; PubMed 9924029; PubMed 15781193.

NM_001953.5(TYMP):c.766-1G>A

Gene: TYMP (thymidine phosphorylase; minus strand). Cytogenetic location: 22q13.33.
Variant type: single nucleotide variant.
Coding change: c.766-1G>A on transcript NM_001953.5 (MANE Select); the canonical splice acceptor site of the intron before coding-DNA position 766, G replaced by A.
Molecular consequence: splice acceptor variant.
Genome position (GRCh38, 1-based): chr22:50,526,739, C>T on the plus strand (G>A on the coding strand, the complement: TYMP is on the minus strand). VCF-style: chr22-50526739-C-T. GRCh37 (hg19) VCF-style: chr22-50965168-C-T.
Other names: c.766-1G>A (NM_001257989.1, NM_001257988.1, NM_001113755.3 and 1 more transcripts).
Identifiers: ClinVar variation 2072981 (VCV002072981.4), dbSNP rs2148678936, ClinGen allele CA412199643.
Genomic context (GRCh38, chr22:50,526,739, plus strand): 5'-CTTGTCCATGGCGGTCAGCGCTGCCGCGACCCGAAGCCCTAGGCTGGCTCCCACGCCAAC[C>T]TGCGGAGAGGAGGCTCAGCGTGGACCCCCCATGGCGGGGCCTTCTGCAGCCGGTTCTTGG-3'